The following is an entry in ClinVar:

NM_002458.3(MUC5B):c.11126C>T (p.Thr3709Met)

Genes: MUC5B (mucin 5B, oligomeric mucus/gel-forming; plus strand), MUC5B-AS1 (MUC5B antisense RNA 1; minus strand). Cytogenetic location: 11p15.5.
Variant type: single nucleotide variant.
Coding change: c.11126C>T on transcript NM_002458.3 (MANE Select); coding-DNA position 11126, C replaced by T.
Protein change: p.Thr3709Met; replaces threonine 3709 with methionine.
Molecular consequence: missense variant.
Genome position (GRCh38, 1-based): chr11:1,248,006, C>T. VCF-style: chr11-1248006-C-T. GRCh37 (hg19) VCF-style: chr11-1269236-C-T.
Other names: short protein forms T3709M.
Identifiers: ClinVar variation 3387961 (VCV003387961.14).

ClinVar aggregate classification (germline): Benign (1 of 4 stars; one submission).

gnomAD v4.1: 5,366 of 1,609,794 alleles (0.33%); highest among the groups gnomAD compares: Non-Finnish European, 0.42%; 126 homozygotes.

Submission:

CeGaT Center for Human Genetics Tuebingen
Classification: Benign. Last evaluated: 2025-01-01. Review status: criteria provided, single submitter. Criteria: CeGaT Center For Human Genetics Tuebingen Variant Classification Criteria Version 2. Collection method: clinical testing. Allele origin: germline. Affected: yes. Observed: 2 variant alleles.
Comment: MUC5B: BP4, BS1, BS2